The following is an entry in ClinVar:

ClinVar aggregate classification (germline): Benign. Review status: criteria provided, multiple submitters, no conflicts (2 of 4 stars). 12 submissions from 10 submitters: Benign (9). 3 of the submissions do not count toward it. Last evaluated 2026-02-02.

Conditions:
Polydactyly. Also called: polydactylism. Identifiers: MedGen C0152427, MONDO:0021003, OMIM 603596, HP:0010442.
Greig cephalopolysyndactyly syndrome (GCPS). Also called: GLI3-Related Greig Cephalopolysyndactyly Syndrome; POLYSYNDACTYLY WITH PECULIAR SKULL SHAPE; Greig syndrome. Identifiers: Orphanet 380, MedGen C0265306, MONDO:0008287, OMIM 175700.
Pallister-Hall syndrome (PHS). Also called: HYPOTHALAMIC HAMARTOBLASTOMA, HYPOPITUITARISM, IMPERFORATE ANUS, AND POSTAXIAL POLYDACTYLY; GLI3-Related Pallister-Hall Syndrome. Identifiers: Orphanet 672, MedGen C0265220, MONDO:0007804, OMIM 146510.

Allele frequency attached by ClinVar (database versions not stated): 1000 Genomes Project 0.05531; 1000 Genomes Project 30x 0.05606; gnomAD exomes 0.06803 and 0.08563; ExAC 0.06863; TOPMed 0.06920; gnomAD 0.07001 and 0.07043; ESP Exome Variant Server 0.07736.
gnomAD v4.1: 135,651 of 1,613,802 alleles (8.4%); highest among the groups gnomAD compares: Non-Finnish European, 9.2%; 6,167 homozygotes.

Submissions (12):

Labcorp Genetics (formerly Invitae), Labcorp
Classification: Benign for Pallister-Hall syndrome; Greig cephalopolysyndactyly syndrome. Last evaluated: 2026-02-02. Review status: criteria provided, single submitter. Criteria: Invitae Variant Classification Sherloc (09022015). Collection method: clinical testing. Allele origin: germline.

Blueprint Genetics
Classification: Benign. Last evaluated: 2024-11-27. Review status: criteria provided, single submitter. Criteria: ACMG Guidelines, 2015. Collection method: clinical testing. Allele origin: germline.

Mayo Clinic Laboratories, Mayo Clinic
Classification: Benign. Last evaluated: 2022-03-09. Review status: criteria provided, single submitter. Criteria: ACMG Guidelines, 2015. Collection method: clinical testing. Allele origin: germline. Observed: 11 variant alleles.

Illumina Laboratory Services, Illumina
Classification: Benign for Greig cephalopolysyndactyly syndrome. Last evaluated: 2018-01-12. Review status: criteria provided, single submitter. Criteria: ICSL Variant Classification Criteria 13 December 2019. Collection method: clinical testing. Allele origin: germline.
Comment: This variant was observed in the ICSL laboratory as part of a predisposition screen in an ostensibly healthy population. It had not been previously curated by ICSL or reported in the Human Gene Mutation Database (HGMD: prior to June 1st, 2018), and was therefore a candidate for classification through an automated scoring system. Utilizing variant allele frequency, disease prevalence and penetrance estimates, and inheritance mode, an automated score was calculated to assess if this variant is too frequent to cause the disease. Based on the score and internal cut-off values, a variant classified as benign is not then subjected to further curation. The score for this variant resulted in a classification of benign for this disease.

Illumina Laboratory Services, Illumina
Classification: Benign for Pallister-Hall syndrome. Last evaluated: 2018-01-12. Review status: criteria provided, single submitter. Criteria: ICSL Variant Classification Criteria 13 December 2019. Collection method: clinical testing. Allele origin: germline.
Comment: the same text as in the submission from Illumina Laboratory Services, Illumina above.

Illumina Laboratory Services, Illumina
Classification: Benign for Polydactyly. Last evaluated: 2018-01-12. Review status: criteria provided, single submitter. Criteria: ICSL Variant Classification Criteria 13 December 2019. Collection method: clinical testing. Allele origin: germline.
Comment: the same text as in the submission from Illumina Laboratory Services, Illumina above.

Eurofins Ntd Llc (ga)
Classification: Benign. Last evaluated: 2016-02-12. Review status: criteria provided, single submitter. Criteria: EGL Classification Definitions 2015. Collection method: clinical testing. Allele origin: germline. Observed: 1 variant allele, 1 heterozygote.

GeneDx
Classification: Benign. Last evaluated: 2015-03-03. Review status: criteria provided, single submitter. Criteria: GeneDx Variant Classification Process June 2021. Collection method: clinical testing. Allele origin: germline. Affected: yes.

PreventionGenetics, part of Exact Sciences
Classification: Benign. Review status: criteria provided, single submitter. Criteria: ACMG Guidelines, 2015. Collection method: clinical testing. Allele origin: germline.

Clinical Genetics DNA and cytogenetics Diagnostics Lab, Erasmus MC, Erasmus Medical Center
Classification: Benign. Review status: no assertion criteria provided. Collection method: clinical testing. Allele origin: germline. Affected: yes. Study: VKGL Data-share Consensus. Not counted in ClinVar's aggregate classification.

Clinical Genetics, Academic Medical Center
Classification: Benign. Review status: no assertion criteria provided. Collection method: clinical testing. Allele origin: germline. Affected: yes. Study: VKGL Data-share Consensus. Not counted in ClinVar's aggregate classification.

Diagnostic Laboratory, Department of Genetics, University Medical Center Groningen
Classification: Benign. Review status: no assertion criteria provided. Collection method: clinical testing. Allele origin: germline. Affected: yes. Study: VKGL Data-share Consensus. Not counted in ClinVar's aggregate classification.

NM_000168.6(GLI3):c.4071C>T (p.Tyr1357=)

Gene: GLI3 (GLI family zinc finger 3; minus strand). Cytogenetic location: 7p14.1.
Variant type: single nucleotide variant.
Coding change: c.4071C>T on transcript NM_000168.6 (MANE Select); coding-DNA position 4071, C replaced by T.
Protein change: p.Tyr1357=; no amino-acid change (tyrosine 1357 retained).
Molecular consequence: synonymous variant.
Genome position (GRCh38, 1-based): chr7:41,965,002, G>A on the plus strand (C>T on the coding strand, the complement: GLI3 is on the minus strand). VCF-style: chr7-41965002-G-A. GRCh37 (hg19) VCF-style: chr7-42004600-G-A.
Other names: p.Tyr1357=.
Identifiers: ClinVar variation 255442 (VCV000255442.29), dbSNP rs34089404, ClinGen allele CA4230196.
Genomic context (GRCh38, chr7:41,965,002, plus strand): 5'-CAAGCTTGACGGCTGGCTGCCCATGCCGTGAGCCCCTGGCAGGCAGCTCTCTGGCCCTTG[G>A]TAGATGTTGATGTGTGAGGTAGCACTAATCTGCCCAAGCATCTGCTGACCGGGGCGGCCT-3'
Protein context (NP_000159.3, residues 1347-1367): QISATSHINI[Tyr1357=]QGPESCLPGA